The following is an entry in ClinVar:

ClinVar aggregate classification (germline): Benign/Likely benign. Review status: criteria provided, multiple submitters, no conflicts (2 of 4 stars). 3 submissions from 3 submitters: Benign (1); Likely benign (2). Last evaluated 2025-05-09.

Conditions:
Familial cancer of breast. Also called: Hereditary breast cancer; BREAST CANCER, FAMILIAL; hereditary breast carcinoma. Identifiers: Orphanet 227535, MedGen C0346153, MONDO:0016419, OMIM 114480. Disease mechanism: loss of function.
Hereditary cancer-predisposing syndrome. Also called: Tumor predisposition; Hereditary Cancer Syndrome; Neoplastic Syndromes, Hereditary; Hereditary neoplastic syndrome. Identifiers: Orphanet 140162, MedGen C0027672, MeSH D009386, MONDO:0015356.
Ataxia-telangiectasia syndrome (AT). Also called: Ataxia telangiectasia (A-T); Cerebello-oculocutaneous telangiectasia; Immunodeficiency with ataxia telangiectasia; LOUIS-BAR SYNDROME; ATAXIA-TELANGIECTASIA, FRESNO VARIANT; Ataxia-telangiectasia, complementation group D. Identifiers: Orphanet 100, MedGen C0004135, MONDO:0008840, OMIM 208900.

gnomAD v4.1: 1 of 1,613,630 alleles (0.000062%); highest among the groups gnomAD compares: Non-Finnish European, 0.000085%; no homozygotes.

Submissions (3):

Labcorp Genetics (formerly Invitae), Labcorp
Classification: Likely benign for Ataxia-telangiectasia syndrome. Last evaluated: 2025-05-09. Review status: criteria provided, single submitter. Criteria: Invitae Variant Classification Sherloc (09022015). Collection method: clinical testing. Allele origin: germline.

Myriad Genetics, Inc.
Classification: Benign for Familial cancer of breast. Last evaluated: 2024-04-23. Review status: criteria provided, single submitter. Criteria: Myriad Autosomal Dominant, Autosomal Recessive and X-Linked Classification Criteria (2023). Collection method: clinical testing. Allele origin: unknown.
Comment: This variant is considered benign. This variant is a silent/synonymous amino acid change and it is not expected to impact splicing.

Ambry Genetics
Classification: Likely benign for Hereditary cancer-predisposing syndrome. Last evaluated: 2018-06-05. Review status: criteria provided, single submitter. Criteria: Ambry Variant Classification Scheme 2023. Collection method: clinical testing. Allele origin: germline.

NM_000051.4(ATM):c.795T>C (p.Ile265=)

Gene: ATM (ATM serine/threonine kinase; plus strand). Cytogenetic location: 11q22.3.
Variant type: single nucleotide variant.
Coding change: c.795T>C on transcript NM_000051.4 (MANE Select); coding-DNA position 795, T replaced by C.
Protein change: p.Ile265=; no amino-acid change (isoleucine 265 retained).
Molecular consequence: synonymous variant.
Genome position (GRCh38, 1-based): chr11:108,244,920, T>C. VCF-style: chr11-108244920-T-C. GRCh37 (hg19) VCF-style: chr11-108115647-T-C.
Other names: c.795T>C, p.Ile265= (NM_001351834.2).
Identifiers: ClinVar variation 760402 (VCV000760402.12), dbSNP rs1290222131, ClinGen allele CA476744758.
Genomic context (GRCh38, chr11:108,244,920, plus strand): 5'-CAACTTTCGAATTCGAGTGTGTGAATTAGGAGATGAAATTCTTCCCACTTTGCTTTATAT[T>C]TGGACTCAACATAGGCTTAATGATTCTTTAAAAGAAGTCATTATTGAATTATTTCAACTG-3'
Protein context (NP_000042.3, residues 255-275): GDEILPTLLY[Ile265=]WTQHRLNDSL